The following is an entry in ClinVar:

NM_005257.6(GATA6):c.467G>A (p.Ser156Asn)

Gene: GATA6 (GATA binding protein 6; plus strand). Cytogenetic location: 18q11.2.
Variant type: single nucleotide variant.
Coding change: c.467G>A on transcript NM_005257.6 (MANE Select); coding-DNA position 467, G replaced by A.
Protein change: p.Ser156Asn; replaces serine 156 with asparagine.
Molecular consequence: missense variant.
Genome position (GRCh38, 1-based): chr18:22,171,611, G>A. VCF-style: chr18-22171611-G-A. GRCh37 (hg19) VCF-style: chr18-19751572-G-A.
Other names: short protein forms S156N.
Identifiers: ClinVar variation 4740812 (VCV004740812.1).

ClinVar aggregate classification (germline): Uncertain significance (1 of 4 stars; one submission).

Conditions:
Atrioventricular septal defect 5 (AVSD5). Identifiers: MedGen C3280939, MONDO:0013769, OMIM 614474.

Submission:

Labcorp Genetics (formerly Invitae), Labcorp
Classification: Uncertain significance for Atrioventricular septal defect 5. Last evaluated: 2025-12-29. Review status: criteria provided, single submitter. Criteria: Invitae Variant Classification Sherloc (09022015). Collection method: clinical testing. Allele origin: germline.
Comment: This sequence change replaces serine, which is neutral and polar, with asparagine, which is neutral and polar, at codon 156 of the GATA6 protein (p.Ser156Asn). This variant is not present in population databases (gnomAD no frequency). This variant has not been reported in the literature in individuals affected with GATA6-related conditions. Invitae Evidence Modeling of protein sequence and biophysical properties (such as structural, functional, and spatial information, amino acid conservation, physicochemical variation, residue mobility, and thermodynamic stability) indicates that this missense variant is not expected to disrupt GATA6 protein function with a negative predictive value of 80%. In summary, the available evidence is currently insufficient to determine the role of this variant in disease. Therefore, it has been classified as a Variant of Uncertain Significance.